The following is an entry in ClinVar:

NM_022124.6(CDH23):c.4838C>T (p.Thr1613Ile)

Gene: CDH23 (cadherin related 23; plus strand). Cytogenetic location: 10q22.1.
Variant type: single nucleotide variant.
Coding change: c.4838C>T on transcript NM_022124.6 (MANE Select); coding-DNA position 4838, C replaced by T.
Protein change: p.Thr1613Ile; replaces threonine 1613 with isoleucine.
Molecular consequence: missense variant.
Genome position (GRCh38, 1-based): chr10:71,741,914, C>T. VCF-style: chr10-71741914-C-T. GRCh37 (hg19) VCF-style: chr10-73501671-C-T.
Other names: short protein forms T1613I.
Identifiers: ClinVar variation 1401378 (VCV001401378.9), dbSNP rs1839746243, ClinGen allele CA377130539.

ClinVar aggregate classification (germline): Uncertain significance (1 of 4 stars; one submission).

Allele frequency attached by ClinVar (database versions not stated): gnomAD exomes below 0.00001.
gnomAD v4.1: 1 of 1,597,130 alleles (0.000063%); highest among the groups gnomAD compares: South Asian, 0.0011%; no homozygotes.

Submission:

Labcorp Genetics (formerly Invitae), Labcorp
Classification: Uncertain significance. Last evaluated: 2025-03-17. Review status: criteria provided, single submitter. Criteria: Invitae Variant Classification Sherloc (09022015). Collection method: clinical testing. Allele origin: germline.
Comment: This sequence change replaces threonine, which is neutral and polar, with isoleucine, which is neutral and non-polar, at codon 1613 of the CDH23 protein (p.Thr1613Ile). This variant is not present in population databases (gnomAD no frequency). This variant has not been reported in the literature in individuals affected with CDH23-related conditions. ClinVar contains an entry for this variant (Variation ID: 1401378). Invitae Evidence Modeling of protein sequence and biophysical properties (such as structural, functional, and spatial information, amino acid conservation, physicochemical variation, residue mobility, and thermodynamic stability) has been performed for this missense variant. However, the output from this modeling did not meet the statistical confidence thresholds required to predict the impact of this variant on CDH23 protein function. In summary, the available evidence is currently insufficient to determine the role of this variant in disease. Therefore, it has been classified as a Variant of Uncertain Significance.